The following is an entry in ClinVar:

ClinVar aggregate classification (germline): Uncertain significance. Review status: criteria provided, multiple submitters, no conflicts (2 of 4 stars). 3 submissions from 3 submitters: Uncertain significance (2). 1 of the submissions does not count toward it. Last evaluated 2022-07-21.

Conditions:
Methylmalonic acidemia (MMA). Also called: Isolated Methylmalonic Acidemia. Identifiers: MedGen C0268583, MeSH C537358, MONDO:0002012, HP:0002912.
Combined malonic and methylmalonic acidemia. Identifiers: Orphanet 289504, MedGen C3280314, MONDO:0013661, OMIM 614265.

Allele frequency attached by ClinVar (database versions not stated): ExAC 0.00002; gnomAD exomes 0.00003; TOPMed 0.00003.
gnomAD v4.1: 130 of 1,614,032 alleles (0.0081%); highest among the groups gnomAD compares: Non-Finnish European, 0.0097%; no homozygotes.

Submissions (3):

Labcorp Genetics (formerly Invitae), Labcorp
Classification: Uncertain significance for Combined malonic and methylmalonic acidemia. Last evaluated: 2022-07-21. Review status: criteria provided, single submitter. Criteria: Invitae Variant Classification Sherloc (09022015). Collection method: clinical testing. Allele origin: germline.
Comment: This sequence change replaces arginine, which is basic and polar, with histidine, which is basic and polar, at codon 318 of the ACSF3 protein (p.Arg318His). This variant is present in population databases (rs200352879, gnomAD 0.01%). This variant has not been reported in the literature in individuals affected with ACSF3-related conditions. ClinVar contains an entry for this variant (Variation ID: 991082). Algorithms developed to predict the effect of missense changes on protein structure and function output the following: SIFT: "Tolerated"; PolyPhen-2: "Possibly Damaging"; Align-GVGD: "Class C0". The histidine amino acid residue is found in multiple mammalian species, which suggests that this missense change does not adversely affect protein function. In summary, the available evidence is currently insufficient to determine the role of this variant in disease. Therefore, it has been classified as a Variant of Uncertain Significance.

Fulgent Genetics
Classification: Uncertain significance for Combined malonic and methylmalonic acidemia. Last evaluated: 2022-02-10. Review status: criteria provided, single submitter. Criteria: ACMG Guidelines, 2015. Collection method: clinical testing. Allele origin: unknown.

Natera, Inc.
Classification: Uncertain significance for Methylmalonic acidemia. Last evaluated: 2020-08-31. Review status: no assertion criteria provided. Collection method: clinical testing. Allele origin: germline. Not counted in ClinVar's aggregate classification.

NM_001243279.3(ACSF3):c.953G>A (p.Arg318His)

Gene: ACSF3 (acyl-CoA synthetase family member 3; plus strand). Cytogenetic location: 16q24.3.
Variant type: single nucleotide variant.
Coding change: c.953G>A on transcript NM_001243279.3 (MANE Select); coding-DNA position 953, G replaced by A.
Protein change: p.Arg318His; replaces arginine 318 with histidine.
Molecular consequence: missense variant. On other transcripts: non-coding transcript variant (3).
Genome position (GRCh38, 1-based): chr16:89,112,222, G>A. VCF-style: chr16-89112222-G-A. GRCh37 (hg19) VCF-style: chr16-89178630-G-A.
Other names: c.953G>A, p.Arg318His (NM_001127214.4, NM_174917.5); c.158G>A, p.Arg53His (NM_001284316.2); short protein forms R318H, R53H.
Identifiers: ClinVar variation 991082 (VCV000991082.4), dbSNP rs200352879, ClinGen allele CA8237893.